The following is an entry in ClinVar:

NM_001370100.5(ZMYND11):c.1405G>C (p.Asp469His)

Genes: ZMYND11 (zinc finger MYND-type containing 11; plus strand), LOC126860802 (BRD4-independent group 4 enhancer GRCh37_chr10:294268-295467; plus strand). Cytogenetic location: 10p15.3.
Variant type: single nucleotide variant.
Coding change: c.1405G>C on transcript NM_001370100.5 (MANE Select); coding-DNA position 1405, G replaced by C.
Protein change: p.Asp469His; replaces aspartic acid 469 with histidine.
Molecular consequence: missense variant. On other transcripts: non-coding transcript variant (1).
Genome position (GRCh38, 1-based): chr10:248,513, G>C. VCF-style: chr10-248513-G-C. GRCh37 (hg19) VCF-style: chr10-294453-G-C.
Other names: c.1405G>C, p.Asp469His (NM_001161482.1, NM_001202468.1, NM_001370097.3 and 5 more transcripts); c.1243G>C, p.Asp415His (NM_001202464.3, NM_001202467.1, NM_001370103.2 and 6 more transcripts); c.1150G>C, p.Asp384His (NM_001202465.3, NM_001370110.2); c.1240G>C, p.Asp414His (NM_001202466.3, NM_001370111.2); c.1354G>C, p.Asp452His (NM_001330057.3, NM_001370112.2); c.1048G>C, p.Asp350His (NM_001370123.2); c.934G>C, p.Asp312His (NM_001370124.3); c.1402G>C, p.Asp468His (NM_212479.4, NM_001370115.2); and 8 more; short protein forms D312H, D350H, D415H, D446H, D447H, D420H, D367H, D384H.
Identifiers: ClinVar variation 2798702 (VCV002798702.3), dbSNP rs756417102, ClinGen allele CA5379236.

ClinVar aggregate classification (germline): Uncertain significance (1 of 4 stars; one submission).

Allele frequency attached by ClinVar (database versions not stated): gnomAD exomes 0.00001; ExAC 0.00002.
gnomAD v4.1: 4 of 1,614,166 alleles (0.00025%); highest among the groups gnomAD compares: Admixed American, 0.0067%; no homozygotes.

Submission:

Labcorp Genetics (formerly Invitae), Labcorp
Classification: Uncertain significance. Last evaluated: 2024-10-24. Review status: criteria provided, single submitter. Criteria: Invitae Variant Classification Sherloc (09022015). Collection method: clinical testing. Allele origin: germline.
Comment: This sequence change replaces aspartic acid, which is acidic and polar, with histidine, which is basic and polar, at codon 469 of the ZMYND11 protein (p.Asp469His). This variant is present in population databases (rs756417102, gnomAD 0.009%). This variant has not been reported in the literature in individuals affected with ZMYND11-related conditions. Invitae Evidence Modeling of protein sequence and biophysical properties (such as structural, functional, and spatial information, amino acid conservation, physicochemical variation, residue mobility, and thermodynamic stability) indicates that this missense variant is not expected to disrupt ZMYND11 protein function with a negative predictive value of 80%. In summary, the available evidence is currently insufficient to determine the role of this variant in disease. Therefore, it has been classified as a Variant of Uncertain Significance.